The following is an entry in ClinVar:

ClinVar aggregate classification (germline): Uncertain significance (1 of 4 stars; one submission).

Conditions:
Hyperkalemic periodic paralysis. Also called: Gamstorp disease; Familial hyperkalemic periodic paralysis. Identifiers: Orphanet 682, MedGen C0238357, MONDO:0008224, OMIM 170500, HP:0007215.

Submission:

Labcorp Genetics (formerly Invitae), Labcorp
Classification: Uncertain significance for Hyperkalemic periodic paralysis. Last evaluated: 2022-06-13. Review status: criteria provided, single submitter. Criteria: Invitae Variant Classification Sherloc (09022015). Collection method: clinical testing. Allele origin: germline.
Comment: This sequence change replaces phenylalanine, which is neutral and non-polar, with leucine, which is neutral and non-polar, at codon 797 of the SCN4A protein (p.Phe797Leu). This variant is not present in population databases (gnomAD no frequency). This variant has not been reported in the literature in individuals affected with SCN4A-related conditions. ClinVar contains an entry for this variant (Variation ID: 543811). Algorithms developed to predict the effect of missense changes on protein structure and function are either unavailable or do not agree on the potential impact of this missense change (SIFT: "Deleterious"; PolyPhen-2: "Probably Damaging"; Align-GVGD: "Class C15"). In summary, the available evidence is currently insufficient to determine the role of this variant in disease. Therefore, it has been classified as a Variant of Uncertain Significance.

NM_000334.4(SCN4A):c.2391C>G (p.Phe797Leu)

Genes: GH-LCR (growth hormone locus control region; plus strand), SCN4A (sodium voltage-gated channel alpha subunit 4; minus strand). Cytogenetic location: 17q23.3.
Variant type: single nucleotide variant.
Coding change: c.2391C>G on transcript NM_000334.4 (MANE Select); coding-DNA position 2391, C replaced by G.
Protein change: p.Phe797Leu; replaces phenylalanine 797 with leucine.
Molecular consequence: missense variant.
Genome position (GRCh38, 1-based): chr17:63,951,886, G>C on the plus strand (C>G on the coding strand, the complement: SCN4A is on the minus strand). VCF-style: chr17-63951886-G-C. GRCh37 (hg19) VCF-style: chr17-62029246-G-C.
Other names: short protein forms F797L.
Identifiers: ClinVar variation 543811 (VCV000543811.9), dbSNP rs1253601722, ClinGen allele CA400627248.